The following is an entry in ClinVar:

ClinVar aggregate classification (germline): Uncertain significance (1 of 4 stars; one submission).

Conditions:
Cardiovascular phenotype. Identifiers: MedGen CN230736.

gnomAD v4.1: 1 of 1,596,102 alleles (0.000063%); highest among the groups gnomAD compares: East Asian, 0.0022%; no homozygotes.

Submission:

Ambry Genetics
Classification: Uncertain significance for Cardiovascular phenotype. Last evaluated: 2021-06-22. Review status: criteria provided, single submitter. Criteria: Ambry Variant Classification Scheme 2023. Collection method: clinical testing. Allele origin: germline.
Comment: The p.D455H variant (also known as c.1363G>C), located in coding exon 10 of the RASA1 gene, results from a G to C substitution at nucleotide position 1363. The aspartic acid at codon 455 is replaced by histidine, an amino acid with similar properties. This amino acid position is conserved. In addition, this alteration is predicted to be deleterious by in silico analysis. Since supporting evidence is limited at this time, the clinical significance of this alteration remains unclear.

NM_002890.3(RASA1):c.1363G>C (p.Asp455His)

Genes: CCNH (cyclin H; minus strand), RASA1 (RAS p21 protein activator 1; plus strand). Cytogenetic location: 5q14.3.
Variant type: single nucleotide variant.
Coding change: c.1363G>C on transcript NM_002890.3 (MANE Select); coding-DNA position 1363, G replaced by C.
Protein change: p.Asp455His; replaces aspartic acid 455 with histidine.
Molecular consequence: missense variant. On other transcripts: intron variant (1).
Genome position (GRCh38, 1-based): chr5:87,362,581, G>C. VCF-style: chr5-87362581-G-C. GRCh37 (hg19) VCF-style: chr5-86658398-G-C.
Other names: c.832G>C, p.Asp278His (NM_022650.3); c.933+32463C>G (NM_001364075.2); short protein forms D455H, D278H.
Identifiers: ClinVar variation 1770892 (VCV001770892.2), dbSNP rs2112456602, ClinGen allele CA360367469.
Genomic context (GRCh38, chr5:87,362,581, plus strand): 5'-GAAATAATTTTAATGTTTTTTAAAATTCAGGATCAAGAACAAGTACTCAATGACACAGTG[G>C]ATGGCAAGGAAATCTATAATACCATCCGTCGTAAAACAAAGGATGCCTTTTATAAAAACA-3'
Protein context (NP_002881.1, residues 445-465): DQEQVLNDTV[Asp455His]GKEIYNTIRR